The following is an entry in ClinVar:

NM_003680.4(YARS1):c.1227C>A (p.Phe409Leu)

Gene: YARS1 (tyrosyl-tRNA synthetase 1; minus strand). Cytogenetic location: 1p35.1.
Variant type: single nucleotide variant.
Coding change: c.1227C>A on transcript NM_003680.4 (MANE Select); coding-DNA position 1227, C replaced by A.
Protein change: p.Phe409Leu; replaces phenylalanine 409 with leucine.
Molecular consequence: missense variant.
Genome position (GRCh38, 1-based): chr1:32,780,192, G>T on the plus strand (C>A on the coding strand, the complement: YARS1 is on the minus strand). VCF-style: chr1-32780192-G-T. GRCh37 (hg19) VCF-style: chr1-33245793-G-T.
Other names: short protein forms F409L.
Identifiers: ClinVar variation 839020 (VCV000839020.26), dbSNP rs763636325, ClinGen allele CA744950.

ClinVar aggregate classification (germline): Uncertain significance. Review status: criteria provided, multiple submitters, no conflicts (2 of 4 stars). 3 submissions from 3 submitters: Uncertain significance (3). Last evaluated 2025-08-28.

Conditions:
Inborn genetic diseases. Identifiers: MedGen C0950123, MeSH D030342.
Charcot-Marie-Tooth disease dominant intermediate C (CMTDIC). Also called: CHARCOT-MARIE-TOOTH NEUROPATHY, DOMINANT INTERMEDIATE C. Identifiers: Orphanet 100045, MedGen C1842237, MONDO:0012012, OMIM 608323.

Allele frequency attached by ClinVar (database versions not stated): ExAC 0.00002; gnomAD 0.00002 and 0.00003; gnomAD exomes 0.00003; TOPMed 0.00003.
gnomAD v4.1: 53 of 1,614,006 alleles (0.0033%); highest among the groups gnomAD compares: Non-Finnish European, 0.0041%; no homozygotes.

Submissions (3):

Ambry Genetics
Classification: Uncertain significance for Inborn genetic diseases. Last evaluated: 2025-08-28. Review status: criteria provided, single submitter. Criteria: Ambry Variant Classification Scheme 2023. Collection method: clinical testing. Allele origin: germline.

CeGaT Center for Human Genetics Tuebingen
Classification: Uncertain significance. Last evaluated: 2024-06-01. Review status: criteria provided, single submitter. Criteria: CeGaT Center For Human Genetics Tuebingen Variant Classification Criteria Version 2. Collection method: clinical testing. Allele origin: germline. Affected: yes. Observed: 1 variant allele.
Comment: YARS1: PM2:Supporting

Labcorp Genetics (formerly Invitae), Labcorp
Classification: Uncertain significance for Charcot-Marie-Tooth disease dominant intermediate C. Last evaluated: 2022-05-19. Review status: criteria provided, single submitter. Criteria: Invitae Variant Classification Sherloc (09022015). Collection method: clinical testing. Allele origin: germline.
Comment: This sequence change replaces phenylalanine, which is neutral and non-polar, with leucine, which is neutral and non-polar, at codon 409 of the YARS protein (p.Phe409Leu). This variant is present in population databases (rs763636325, gnomAD 0.006%). This variant has not been reported in the literature in individuals affected with YARS-related conditions. ClinVar contains an entry for this variant (Variation ID: 839020). Algorithms developed to predict the effect of missense changes on protein structure and function are either unavailable or do not agree on the potential impact of this missense change (SIFT: "Not Available"; PolyPhen-2: "Benign"; Align-GVGD: "Not Available"). Algorithms developed to predict the effect of sequence changes on RNA splicing suggest that this variant may create or strengthen a splice site. In summary, the available evidence is currently insufficient to determine the role of this variant in disease. Therefore, it has been classified as a Variant of Uncertain Significance.